The following is an entry in ClinVar:

ClinVar aggregate classification (germline): Benign/Likely benign. Review status: criteria provided, multiple submitters, no conflicts (2 of 4 stars). 4 submissions from 4 submitters: Benign (2); Likely benign (2). Last evaluated 2026-08-06.

Conditions:
PRPF6-related disorder. Also called: PRPF6-related condition.

Allele frequency attached by ClinVar (database versions not stated): gnomAD exomes 0.00006 and 0.00020; ExAC 0.00024; gnomAD 0.00066 and 0.00071; TOPMed 0.00096; 1000 Genomes Project 0.00100; ESP Exome Variant Server 0.00100; 1000 Genomes Project 30x 0.00109.

Submissions (4):

PreventionGenetics, part of Exact Sciences
Classification: Likely benign for PRPF6-related condition. Last evaluated: 2026-08-06. Review status: criteria provided, single submitter. Criteria: ACMG Guidelines, 2015. Collection method: clinical testing. Allele origin: germline.
Comment: This variant is classified as likely benign based on ACMG/AMP sequence variant interpretation guidelines (Richards et al. 2015 PMID: 25741868, with internal and published modifications).

Labcorp Genetics (formerly Invitae), Labcorp
Classification: Benign. Last evaluated: 2025-12-06. Review status: criteria provided, single submitter. Criteria: Invitae Variant Classification Sherloc (09022015). Collection method: clinical testing. Allele origin: germline.

Blueprint Genetics
Classification: Likely benign. Last evaluated: 2024-02-12. Review status: criteria provided, single submitter. Criteria: ACMG Guidelines, 2015. Collection method: clinical testing. Allele origin: germline.

Breakthrough Genomics
Classification: Benign. Review status: criteria provided, single submitter. Criteria: ACMG Guidelines, 2015. Collection method: not provided. Allele origin: germline. Inheritance: Autosomal dominant inheritance. Affected: yes.

NM_012469.4(PRPF6):c.1993C>T (p.Leu665=)

Gene: PRPF6 (pre-mRNA processing factor 6; plus strand). Cytogenetic location: 20q13.33.
Variant type: single nucleotide variant.
Coding change: c.1993C>T on transcript NM_012469.4 (MANE Select); coding-DNA position 1993, C replaced by T.
Protein change: p.Leu665=; no amino-acid change (leucine 665 retained).
Molecular consequence: synonymous variant.
Genome position (GRCh38, 1-based): chr20:64,026,023, C>T. VCF-style: chr20-64026023-C-T. GRCh37 (hg19) VCF-style: chr20-62657376-C-T.
Other names: c.1993C>T (NM_012469.3).
Identifiers: ClinVar variation 1169121 (VCV001169121.12), dbSNP rs143243526, ClinGen allele CA9972344.